The following is an entry in ClinVar:

NM_006005.3(WFS1):c.1335G>C (p.Leu445=)

Gene: WFS1 (wolframin ER transmembrane glycoprotein; plus strand). Cytogenetic location: 4p16.1.
Variant type: single nucleotide variant.
Coding change: c.1335G>C on transcript NM_006005.3 (MANE Select); coding-DNA position 1335, G replaced by C.
Protein change: p.Leu445=; no amino-acid change (leucine 445 retained).
Molecular consequence: synonymous variant.
Genome position (GRCh38, 1-based): chr4:6,301,130, G>C. VCF-style: chr4-6301130-G-C. GRCh37 (hg19) VCF-style: chr4-6302857-G-C.
Other names: c.1335G>C, p.Leu445= (NM_001145853.1).
Identifiers: ClinVar variation 517636 (VCV000517636.16), dbSNP rs1426049330, ClinGen allele CA438368556.

ClinVar aggregate classification (germline): Benign/Likely benign. Review status: criteria provided, multiple submitters, no conflicts (2 of 4 stars). 5 submissions from 5 submitters: Benign (1); Likely benign (4). Last evaluated 2025-02-19.

Conditions:
Wolfram syndrome 1 (WFS1). Identifiers: Orphanet 3463, MedGen C4551693, MONDO:0009101, OMIM 222300.

Allele frequency attached by ClinVar (database versions not stated): gnomAD exomes below 0.00001 and 0.00001; gnomAD 0.00001; TOPMed 0.00002.
gnomAD v4.1: 8 of 1,613,238 alleles (0.0005%); highest among the groups gnomAD compares: Non-Finnish European, 0.00051%; no homozygotes.

Submissions (5):

Labcorp Genetics (formerly Invitae), Labcorp
Classification: Likely benign. Last evaluated: 2025-02-19. Review status: criteria provided, single submitter. Criteria: Invitae Variant Classification Sherloc (09022015). Collection method: clinical testing. Allele origin: germline.

GeneDx
Classification: Likely benign. Last evaluated: 2020-09-02. Review status: criteria provided, single submitter. Criteria: GeneDx Variant Classification Process June 2021. Collection method: clinical testing. Allele origin: germline. Affected: yes.

Blueprint Genetics
Classification: Likely benign. Last evaluated: 2019-09-19. Review status: criteria provided, single submitter. Criteria: ACMG Guidelines, 2015. Collection method: clinical testing. Allele origin: germline.

Laboratory for Molecular Medicine, Mass General Brigham Personalized Medicine
Classification: Likely benign. Last evaluated: 2017-11-13. Review status: criteria provided, single submitter. Criteria: LMM Criteria. Collection method: clinical testing. Allele origin: germline. Observed: 1 variant allele.
Comment: p.Leu445Leu in exon 8 of WFS1: This variant is not expected to have clinical sig nificance because it does not alter an amino acid residue and is not located wit hin the splice consensus sequence. It has been identified in 0.002% (2/111446) o f European chromosomes by the Genome Aggregation Database (gnomAD .). ACMG/AMP Criteria applied: BP4, BP7 (Richards 2015).

Clinical Genomics, Uppaluri K&H Personalized Medicine Clinic
Classification: Benign for Wolfram syndrome 1. Review status: criteria provided, single submitter. Criteria: K & H Uppaluri Personalized Medicine Clinic Variant Classification & Assertion Criteria_Updated V.1. Collection method: research. Allele origin: unknown. Inheritance: Autosomal recessive inheritance.
Comment: Potent mutations in WFS1 gene are associated with Wolfram's syndrome, an autosomal recessive condition, which cause diabetes mellitus, diabetes insipidus, deafness and optic atrophy. However no sufficient evidence is found to ascertain the role of this particular variant rs1426049330 in Wolfram's syndrome yet.

Literature cited by the submitters: PubMed 20738327 (cited by Clinical Genomics, Uppaluri K&H Personalized Medicine Clinic); PubMed 33879153 (cited by Clinical Genomics, Uppaluri K&H Personalized Medicine Clinic); PubMed 12955714 (cited by Clinical Genomics, Uppaluri K&H Personalized Medicine Clinic); PubMed 18060660 (cited by Clinical Genomics, Uppaluri K&H Personalized Medicine Clinic); PubMed 20301750 (cited by Clinical Genomics, Uppaluri K&H Personalized Medicine Clinic); PubMed 17603484 (cited by Clinical Genomics, Uppaluri K&H Personalized Medicine Clinic).